The following is an entry in ClinVar:

NM_006218.4(PIK3CA):c.2201T>G (p.Phe734Cys)

Gene: PIK3CA (phosphatidylinositol-4,5-bisphosphate 3-kinase catalytic subunit alpha; plus strand). Cytogenetic location: 3q26.32.
Variant type: single nucleotide variant.
Coding change: c.2201T>G on transcript NM_006218.4 (MANE Select); coding-DNA position 2201, T replaced by G.
Protein change: p.Phe734Cys; replaces phenylalanine 734 with cysteine.
Molecular consequence: missense variant.
Genome position (GRCh38, 1-based): chr3:179,224,094, T>G. VCF-style: chr3-179224094-T-G. GRCh37 (hg19) VCF-style: chr3-178941882-T-G.
Other names: short protein forms F734C.
Identifiers: ClinVar variation 4827508 (VCV004827508.1).

ClinVar aggregate classification (germline): Uncertain significance (1 of 4 stars; one submission).

Conditions:
Inborn genetic diseases. Identifiers: MedGen C0950123, MeSH D030342.

Submission:

Ambry Genetics
Classification: Uncertain significance for Inborn genetic diseases. Last evaluated: 2026-03-12. Review status: criteria provided, single submitter. Criteria: Ambry Variant Classification Scheme 2023. Collection method: clinical testing. Allele origin: germline.
Comment: The p.F734C variant (also known as c.2201T>G), located in coding exon 14 of the PIK3CA gene, results from a T to G substitution at nucleotide position 2201. The phenylalanine at codon 734 is replaced by cysteine, an amino acid with highly dissimilar properties. This amino acid position is conserved. In addition, the in silico prediction for this alteration is inconclusive. Based on the available evidence, the clinical significance of this variant remains unclear.